The following is an entry in ClinVar:

ClinVar aggregate classification (germline): Pathogenic. Review status: criteria provided, single submitter (1 of 4 stars). 2 submissions from 2 submitters: Pathogenic (1). 1 of the submissions does not count toward it. Last evaluated 2026-03-31.

Conditions:
PCNT-related disorder. Also called: PCNT-related condition.

Allele frequency attached by ClinVar (database versions not stated): gnomAD exomes below 0.00001; gnomAD 0.00001; TOPMed 0.00001.
gnomAD v4.1: 12 of 1,614,022 alleles (0.00074%); highest among the groups gnomAD compares: Non-Finnish European, 0.001%; no homozygotes.

Submissions (2):

PreventionGenetics, part of Exact Sciences
Classification: Pathogenic for PCNT-related condition. Last evaluated: 2026-03-31. Review status: criteria provided, single submitter. Criteria: ACMG Guidelines, 2015. Collection method: clinical testing. Allele origin: germline.
Comment: The PCNT c.3202G>T variant is predicted to result in premature protein termination (p.Glu1068*). To our knowledge, this variant has not been reported in the literature. This variant is reported in 0.00088% of alleles in individuals of European (Non-Finnish) descent in gnomAD. Nonsense variants in PCNT are expected to be pathogenic. This variant is interpreted as pathogenic.

Department of Pathology and Laboratory Medicine, Sinai Health System
Classification: Likely pathogenic. Review status: no assertion criteria provided. Collection method: clinical testing. Allele origin: unknown. Affected: yes. Study: The Canadian Open Genetics Repository (COGR). Not counted in ClinVar's aggregate classification.
Comment: The PCNT p.E950* variant was not identified in the literature nor was it identified in ClinVar or LOVD 3.0. The variant was identified in dbSNP (ID: rs1215854055) and in control databases in 1 of 251490 chromosomes at a frequency of 0.000003976 (Genome Aggregation Database March 6, 2019, v2.1.1). The variant was observed in the European (non-Finnish) population in 1 of 113764 chromosomes (freq: 0.000009), but was not observed in the African, Latino, Ashkenazi Jewish, East Asian, European (Finnish), Other, or South Asian populations. The c.2848G>T variant leads to a premature stop codon at position 950 which is predicted to lead to a truncated or absent protein and loss of function. Loss of function variants of the PCNT gene are an established mechanism of disease in microcephalic osteodysplastic primordial dwarfism and are the type of variant expected to cause the disorder when found in the homozygous or compound heterozygous state. The variant occurs outside of the splicing consensus sequence and in silico or computational prediction software programs (SpliceSiteFinder, MaxEntScan, NNSPLICE, GeneSplicer) do not predict a difference in splicing. In summary, based on the above information the clinical significance of this variant cannot be determined with certainty at this time although we would lean towards a more pathogenic role for this variant. This variant is classified as likely pathogenic.

NM_006031.6(PCNT):c.3202G>T (p.Glu1068Ter)

Gene: PCNT (pericentrin; plus strand). Cytogenetic location: 21q22.3.
Variant type: single nucleotide variant.
Coding change: c.3202G>T on transcript NM_006031.6 (MANE Select); coding-DNA position 3202, G replaced by T.
Protein change: p.Glu1068Ter; replaces glutamic acid 1068 with a stop codon.
Molecular consequence: nonsense.
Genome position (GRCh38, 1-based): chr21:46,381,730, G>T. VCF-style: chr21-46381730-G-T. GRCh37 (hg19) VCF-style: chr21-47801645-G-T.
Other names: c.2848G>T, p.Glu950Ter (NM_001315529.2); c.3202G>T (NM_006031.5); short protein forms E1068*, E950*.
Identifiers: ClinVar variation 1049002 (VCV001049002.2), dbSNP rs1215854055, ClinGen allele CA410573497.
Genomic context (GRCh38, chr21:46,381,730, plus strand): 5'-TTTTATTGTTATTGATGTGTACAGGGTGAATTTGGAAGTGAAAAGAAAACTGCTTTGCAT[G>T]AAAAAGAGGAGACACTTCGGCTTCAGAGTGCACAGGCACAGCCTTTTCACCAAGAGGAGA-3'